The following is an entry in ClinVar:

ClinVar aggregate classification (germline): Uncertain significance (1 of 4 stars; one submission).

Allele frequency attached by ClinVar (database versions not stated): gnomAD exomes below 0.00001; TOPMed below 0.00001; gnomAD 0.00001.
gnomAD v4.1: 2 of 1,607,346 alleles (0.00012%); highest among the groups gnomAD compares: South Asian, 0.0011%; no homozygotes.

Submission:

GeneDx
Classification: Uncertain significance. Last evaluated: 2020-06-16. Review status: criteria provided, single submitter. Criteria: GeneDx Variant Classification Process June 2021. Collection method: clinical testing. Allele origin: germline. Affected: yes.
Comment: Not observed in large population cohorts (Lek et al., 2016); In silico analysis, which includes protein predictors and evolutionary conservation, supports a deleterious effect

NM_014920.5(CILK1):c.296A>G (p.Glu99Gly)

Gene: CILK1 (ciliogenesis associated kinase 1; minus strand). Cytogenetic location: 6p12.1.
Variant type: single nucleotide variant.
Coding change: c.296A>G on transcript NM_014920.5 (MANE Select); coding-DNA position 296, A replaced by G.
Protein change: p.Glu99Gly; replaces glutamic acid 99 with glycine.
Molecular consequence: missense variant. On other transcripts: non-coding transcript variant (1).
Genome position (GRCh38, 1-based): chr6:53,031,127, T>C on the plus strand (A>G on the coding strand, the complement: CILK1 is on the minus strand). VCF-style: chr6-53031127-T-C. GRCh37 (hg19) VCF-style: chr6-52895925-T-C.
Other names: c.296A>G, p.Glu99Gly (NM_001375397.1, NM_001375398.1, NM_001375399.1 and 4 more transcripts); short protein forms E99G.
Identifiers: ClinVar variation 1306399 (VCV001306399.2), dbSNP rs1765934322, ClinGen allele CA364474750.